The following is an entry in ClinVar:

NM_001184.4(ATR):c.6382G>A (p.Glu2128Lys)

Gene: ATR (ATR checkpoint kinase; minus strand). Cytogenetic location: 3q23.
Variant type: single nucleotide variant.
Coding change: c.6382G>A on transcript NM_001184.4 (MANE Select); coding-DNA position 6382, G replaced by A.
Protein change: p.Glu2128Lys; replaces glutamic acid 2128 with lysine.
Molecular consequence: missense variant.
Genome position (GRCh38, 1-based): chr3:142,469,507, C>T on the plus strand (G>A on the coding strand, the complement: ATR is on the minus strand). VCF-style: chr3-142469507-C-T. GRCh37 (hg19) VCF-style: chr3-142188349-C-T.
Other names: c.6382G>A (NM_001184.3); c.6190G>A, p.Glu2064Lys (NM_001354579.2); short protein forms E2064K, E2128K.
Identifiers: ClinVar variation 1476945 (VCV001476945.9), dbSNP rs772899026, ClinGen allele CA354805144.

ClinVar aggregate classification (germline): Uncertain significance. Review status: criteria provided, multiple submitters, no conflicts (2 of 4 stars). 2 submissions from 2 submitters: Uncertain significance (2). Last evaluated 2023-10-12.

Conditions:
Inborn genetic diseases. Identifiers: MedGen C0950123, MeSH D030342.

Allele frequency attached by ClinVar (database versions not stated): gnomAD exomes below 0.00001.
gnomAD v4.1: 3 of 1,613,900 alleles (0.00019%); highest among the groups gnomAD compares: Non-Finnish European, 0.00025%; no homozygotes.

Submissions (2):

Ambry Genetics
Classification: Uncertain significance for Inborn genetic diseases. Last evaluated: 2023-10-12. Review status: criteria provided, single submitter. Criteria: Ambry Variant Classification Scheme 2023. Collection method: clinical testing. Allele origin: germline.
Comment: The p.E2128K variant (also known as c.6382G>A), located in coding exon 38 of the ATR gene, results from a G to A substitution at nucleotide position 6382. The glutamic acid at codon 2128 is replaced by lysine, an amino acid with similar properties. This amino acid position is conserved. In addition, this alteration is predicted to be tolerated by in silico analysis. Since supporting evidence is limited at this time, the clinical significance of this alteration remains unclear.

Labcorp Genetics (formerly Invitae), Labcorp
Classification: Uncertain significance. Last evaluated: 2021-04-03. Review status: criteria provided, single submitter. Criteria: Invitae Variant Classification Sherloc (09022015). Collection method: clinical testing. Allele origin: germline.
Comment: Algorithms developed to predict the effect of missense changes on protein structure and function (SIFT, PolyPhen-2, Align-GVGD) all suggest that this variant is likely to be tolerated, but these predictions have not been confirmed by published functional studies and their clinical significance is uncertain. This variant has not been reported in the literature in individuals with ATR-related conditions. This variant is not present in population databases (ExAC no frequency). This sequence change replaces glutamic acid with lysine at codon 2128 of the ATR protein (p.Glu2128Lys). The glutamic acid residue is moderately conserved and there is a small physicochemical difference between glutamic acid and lysine. In summary, the available evidence is currently insufficient to determine the role of this variant in disease. Therefore, it has been classified as a Variant of Uncertain Significance.